The following is an entry in ClinVar:

ClinVar aggregate classification (germline): Uncertain significance. Review status: criteria provided, multiple submitters, no conflicts (2 of 4 stars). 4 submissions from 4 submitters: Uncertain significance (3). 1 of the submissions does not count toward it. Last evaluated 2022-06-13.

Conditions:
Niemann-Pick disease, type C1. Also called: NEUROVISCERAL STORAGE DISEASE WITH VERTICAL SUPRANUCLEAR OPHTHALMOPLEGIA; NIEMANN-PICK DISEASE WITH CHOLESTEROL ESTERIFICATION BLOCK; NIEMANN-PICK DISEASE WITHOUT SPHINGOMYELINASE DEFICIENCY; NIEMANN-PICK DISEASE, CHRONIC NEURONOPATHIC FORM; NIEMANN-PICK DISEASE, VARIANT TYPE C1. Identifiers: Orphanet 646, MedGen C3179455, MONDO:0009757, OMIM 257220.
Intellectual disability. Also called: Intellectual functioning disability; intellectual disabilities; Intellectual developmental disorder. Identifiers: MedGen C3714756, MeSH D008607, MONDO:0001071, HP:0001249.

gnomAD v4.1: 15 of 1,614,156 alleles (0.00093%); highest among the groups gnomAD compares: Non-Finnish European, 0.0012%; no homozygotes.

Submissions (4):

Labcorp Genetics (formerly Invitae), Labcorp
Classification: Uncertain significance for Niemann-Pick disease, type C1. Last evaluated: 2022-06-13. Review status: criteria provided, single submitter. Criteria: Invitae Variant Classification Sherloc (09022015). Collection method: clinical testing. Allele origin: germline.
Comment: This variant is not present in population databases (gnomAD no frequency). This variant has not been reported in the literature in individuals affected with NPC1-related conditions. ClinVar contains an entry for this variant (Variation ID: 287257). Advanced modeling of protein sequence and biophysical properties (such as structural, functional, and spatial information, amino acid conservation, physicochemical variation, residue mobility, and thermodynamic stability) performed at Invitae indicates that this missense variant is not expected to disrupt NPC1 protein function. In summary, the available evidence is currently insufficient to determine the role of this variant in disease. Therefore, it has been classified as a Variant of Uncertain Significance. This sequence change replaces arginine, which is basic and polar, with serine, which is neutral and polar, at codon 819 of the NPC1 protein (p.Arg819Ser).

Cambridge Genomics Laboratory, East Genomic Laboratory Hub, NHS Genomic Medicine Service
Classification: Uncertain significance for Intellectual disability. Last evaluated: 2019-04-17. Review status: criteria provided, single submitter. Criteria: ACGS Best Practice Guidelines for Variant Classification in Rare Disease 2020. Collection method: clinical testing. Allele origin: germline. Affected: yes. Observed: 1 variant allele.

Eurofins Ntd Llc (ga)
Classification: Uncertain significance. Last evaluated: 2016-03-29. Review status: criteria provided, single submitter. Criteria: EGL Classification Definitions 2015. Collection method: clinical testing. Allele origin: germline. Observed: 1 variant allele, 1 heterozygote.

Natera, Inc.
Classification: Uncertain significance for Niemann-Pick disease type C1. Last evaluated: 2025-03-24. Review status: no assertion criteria provided. Collection method: clinical testing. Allele origin: germline. Not counted in ClinVar's aggregate classification.

NM_000271.5(NPC1):c.2455C>A (p.Arg819Ser)

Gene: NPC1 (NPC intracellular cholesterol transporter 1; minus strand). Cytogenetic location: 18q11.2.
Variant type: single nucleotide variant.
Coding change: c.2455C>A on transcript NM_000271.5 (MANE Select); coding-DNA position 2455, C replaced by A.
Protein change: p.Arg819Ser; replaces arginine 819 with serine.
Molecular consequence: missense variant.
Genome position (GRCh38, 1-based): chr18:23,541,127, G>T on the plus strand (C>A on the coding strand, the complement: NPC1 is on the minus strand). VCF-style: chr18-23541127-G-T. GRCh37 (hg19) VCF-style: chr18-21121091-G-T.
Other names: c.2455C>A (NM_000271.4); short protein forms R819S.
Identifiers: ClinVar variation 287257 (VCV000287257.14), dbSNP rs762226042, ClinGen allele CA10605720.
Genomic context (GRCh38, chr18:23,541,127, plus strand): 5'-CCACAATTGGTCTCATCCAGTCCTTTAGCAGAAGTGGAGAATAGGAGTTTTTGAAGAAGC[G>T]AAACAAACAGCTCTCTGAGGCCTGGACGCTTGTTCCATCTTCAGCACCTCTGACACAGCA-3'
Protein context (NP_000262.2, residues 809-829): SVQASESCLF[Arg819Ser]FFKNSYSPLL